The following is an entry in ClinVar:

ClinVar aggregate classification (germline): Likely benign. Review status: criteria provided, single submitter (1 of 4 stars). 2 submissions from 2 submitters: Likely benign (1). 1 of the submissions does not count toward it. Last evaluated 2018-07-04.

Conditions:
ARMC5-related disorder. Also called: ARMC5-related condition.

Allele frequency attached by ClinVar (database versions not stated): TOPMed below 0.00001; gnomAD 0.00001.

Submissions (2):

Labcorp Genetics (formerly Invitae), Labcorp
Classification: Likely benign. Last evaluated: 2018-07-04. Review status: criteria provided, single submitter. Criteria: Invitae Variant Classification Sherloc (09022015). Collection method: clinical testing. Allele origin: germline.

PreventionGenetics, part of Exact Sciences
Classification: Likely benign for ARMC5-related condition. Last evaluated: 2023-04-05. Review status: no assertion criteria provided. Collection method: clinical testing. Allele origin: germline. Not counted in ClinVar's aggregate classification.
Comment: This variant is classified as likely benign based on ACMG/AMP sequence variant interpretation guidelines (Richards et al. 2015 PMID: 25741868, with internal and published modifications).

NM_001105247.2(ARMC5):c.177G>A (p.Glu59=)

Genes: ARMC5 (armadillo repeat containing 5; plus strand), LOC130058906 (ATAC-STARR-seq lymphoblastoid silent region 7419; plus strand). Cytogenetic location: 16p11.2.
Variant type: single nucleotide variant.
Coding change: c.177G>A on transcript NM_001105247.2 (MANE Select); coding-DNA position 177, G replaced by A.
Protein change: p.Glu59=; no amino-acid change (glutamic acid 59 retained).
Molecular consequence: synonymous variant.
Genome position (GRCh38, 1-based): chr16:31,459,701, G>A. VCF-style: chr16-31459701-G-A. GRCh37 (hg19) VCF-style: chr16-31471022-G-A.
Other names: c.462G>A, p.Glu154= (NM_001288767.2); c.273G>A, p.Glu91= (NM_001301820.1); c.177G>A, p.Glu59= (NM_024742.2); c.462G>A (NM_001288767.1).
Identifiers: ClinVar variation 756155 (VCV000756155.5), dbSNP rs1008632310, ClinGen allele CA280638138.
Genomic context (GRCh38, chr16:31,459,701, plus strand): 5'-CCTGAGCCGCGCGCTCCTAGCCCTCCGCACGCGCCACATCAAGGCAGCGGGGGGAATCGA[G>A]CGCTTCCGGGCACGCGGCGGGCTCCGCCCCCTACTCGCGCTGCTACGGCGAGCGGCTGCA-3'
Protein context (NP_001098717.1, residues 49-69): TRHIKAAGGI[Glu59=]RFRARGGLRP